The following is an entry in ClinVar:

ClinVar aggregate classification (germline): Uncertain significance. Review status: criteria provided, multiple submitters, no conflicts (2 of 4 stars). 2 submissions from 2 submitters: Uncertain significance (2). Last evaluated 2025-07-18.

Conditions:
Inborn genetic diseases. Identifiers: MedGen C0950123, MeSH D030342.

gnomAD v4.1: 2 of 1,614,116 alleles (0.00012%); highest among the groups gnomAD compares: East Asian, 0.0022%; no homozygotes.

Submissions (2):

Labcorp Genetics (formerly Invitae), Labcorp
Classification: Uncertain significance. Last evaluated: 2025-07-18. Review status: criteria provided, single submitter. Criteria: Invitae Variant Classification Sherloc (09022015). Collection method: clinical testing. Allele origin: germline.
Comment: This sequence change replaces arginine, which is basic and polar, with leucine, which is neutral and non-polar, at codon 442 of the MBD4 protein (p.Arg442Leu). This variant is present in population databases (no rsID available, gnomAD 0.003%). This variant has not been reported in the literature in individuals affected with MBD4-related conditions. An algorithm developed to predict the effect of missense changes on protein structure and function (PolyPhen-2) suggests that this variant is likely to be disruptive. In summary, the available evidence is currently insufficient to determine the role of this variant in disease. Therefore, it has been classified as a Variant of Uncertain Significance.

Ambry Genetics
Classification: Uncertain significance for Inborn genetic diseases. Last evaluated: 2025-05-12. Review status: criteria provided, single submitter. Criteria: Ambry Variant Classification Scheme 2023. Collection method: clinical testing. Allele origin: germline.
Comment: The p.R436L variant (also known as c.1307G>T), located in coding exon 5 of the MBD4 gene, results from a G to T substitution at nucleotide position 1307. The arginine at codon 436 is replaced by leucine, an amino acid with dissimilar properties. This amino acid position is highly conserved in available vertebrate species. In addition, the in silico prediction for this alteration is inconclusive. Based on the available evidence, the clinical significance of this variant remains unclear.

NM_001276270.2(MBD4):c.1307G>T (p.Arg436Leu)

Gene: MBD4 (methyl-CpG binding domain 4, DNA glycosylase; minus strand). Cytogenetic location: 3q21.3.
Variant type: single nucleotide variant.
Coding change: c.1307G>T on transcript NM_001276270.2 (MANE Select); coding-DNA position 1307, G replaced by T.
Protein change: p.Arg436Leu; replaces arginine 436 with leucine.
Molecular consequence: missense variant.
Genome position (GRCh38, 1-based): chr3:129,433,936, C>A on the plus strand (G>T on the coding strand, the complement: MBD4 is on the minus strand). VCF-style: chr3-129433936-C-A. GRCh37 (hg19) VCF-style: chr3-129152779-C-A.
Other names: c.1325G>T, p.Arg442Leu (NM_001276271.2, NM_001276272.2, NM_003925.3); c.371G>T, p.Arg124Leu (NM_001276273.2); short protein forms R436L, R124L, R442L.
Identifiers: ClinVar variation 4052220 (VCV004052220.2).
Genomic context (GRCh38, chr3:129,433,936, plus strand): 5'-GCGATGAGAAGCTTCCATGGATCATGAAAAAGTGTTTCTTGAACGAGATTAAAAGGTGAC[C>A]GAGGAGGTGTCCATTTCTTAAAGGCTTTACGTCGTGGGGGGCTAAGAGCTAAACAAACAT-3'
Protein context (NP_001263199.1, residues 426-446): RKAFKKWTPP[Arg436Leu]SPFNLVQETL